The following is an entry in ClinVar:

NM_021167.5(GATAD1):c.494C>T (p.Pro165Leu)

Gene: GATAD1 (GATA zinc finger domain containing 1; plus strand). Cytogenetic location: 7q21.2.
Variant type: single nucleotide variant.
Coding change: c.494C>T on transcript NM_021167.5 (MANE Select); coding-DNA position 494, C replaced by T.
Protein change: p.Pro165Leu; replaces proline 165 with leucine.
Molecular consequence: missense variant. On other transcripts: non-coding transcript variant (1).
Genome position (GRCh38, 1-based): chr7:92,454,560, C>T. VCF-style: chr7-92454560-C-T. GRCh37 (hg19) VCF-style: chr7-92083874-C-T.
Other names: short protein forms P165L.
Identifiers: ClinVar variation 3519076 (VCV003519076.1).

ClinVar aggregate classification (germline): Uncertain significance (1 of 4 stars; one submission).

Conditions:
Cardiovascular phenotype. Identifiers: MedGen CN230736.

gnomAD v4.1: 1 of 1,612,936 alleles (0.000062%); highest among the groups gnomAD compares: East Asian, 0.0022%; no homozygotes.

Submission:

Ambry Genetics
Classification: Uncertain significance for Cardiovascular phenotype. Last evaluated: 2024-07-17. Review status: criteria provided, single submitter. Criteria: Ambry Variant Classification Scheme 2023. Collection method: clinical testing. Allele origin: germline.
Comment: The p.P165L variant (also known as c.494C>T), located in coding exon 4 of the GATAD1 gene, results from a C to T substitution at nucleotide position 494. The proline at codon 165 is replaced by leucine, an amino acid with similar properties. This amino acid position is conserved. In addition, this alteration is predicted to be tolerated by in silico analysis. Based on the available evidence, the clinical significance of this variant remains unclear.